The following is an entry in ClinVar:

NM_020312.4(COQ9):c.104G>A (p.Arg35His)

Gene: COQ9 (coenzyme Q9; plus strand). Cytogenetic location: 16q21.
Variant type: single nucleotide variant.
Coding change: c.104G>A on transcript NM_020312.4 (MANE Select); coding-DNA position 104, G replaced by A.
Protein change: p.Arg35His; replaces arginine 35 with histidine.
Molecular consequence: missense variant.
Genome position (GRCh38, 1-based): chr16:57,451,070, G>A. VCF-style: chr16-57451070-G-A. GRCh37 (hg19) VCF-style: chr16-57484982-G-A.
Other names: short protein forms R35H.
Identifiers: ClinVar variation 2187248 (VCV002187248.4), dbSNP rs1180958497, ClinGen allele CA396026564.

ClinVar aggregate classification (germline): Uncertain significance (1 of 4 stars; one submission).

Allele frequency attached by ClinVar (database versions not stated): gnomAD 0.00001.
gnomAD v4.1: 6 of 1,614,096 alleles (0.00037%); highest among the groups gnomAD compares: Middle Eastern, 0.033%; no homozygotes.

Submission:

Labcorp Genetics (formerly Invitae), Labcorp
Classification: Uncertain significance. Last evaluated: 2025-05-12. Review status: criteria provided, single submitter. Criteria: Invitae Variant Classification Sherloc (09022015). Collection method: clinical testing. Allele origin: germline.
Comment: This sequence change replaces arginine, which is basic and polar, with histidine, which is basic and polar, at codon 35 of the COQ9 protein (p.Arg35His). This variant is not present in population databases (gnomAD no frequency). This variant has not been reported in the literature in individuals affected with COQ9-related conditions. ClinVar contains an entry for this variant (Variation ID: 2187248). An algorithm developed to predict the effect of missense changes on protein structure and function (PolyPhen-2) suggests that this variant is likely to be tolerated. In summary, the available evidence is currently insufficient to determine the role of this variant in disease. Therefore, it has been classified as a Variant of Uncertain Significance.